The following is an entry in ClinVar:

ClinVar aggregate classification (germline): Uncertain significance (1 of 4 stars; one submission).

Submission:

Labcorp Genetics (formerly Invitae), Labcorp
Classification: Uncertain significance. Last evaluated: 2025-05-05. Review status: criteria provided, single submitter. Criteria: Invitae Variant Classification Sherloc (09022015). Collection method: clinical testing. Allele origin: germline.
Comment: This sequence change replaces histidine, which is basic and polar, with tyrosine, which is neutral and polar, at codon 376 of the SLC7A14 protein (p.His376Tyr). This variant is not present in population databases (gnomAD no frequency). This variant has not been reported in the literature in individuals affected with SLC7A14-related conditions. ClinVar contains an entry for this variant (Variation ID: 1425892). An algorithm developed to predict the effect of missense changes on protein structure and function (PolyPhen-2) suggests that this variant is likely to be disruptive. In summary, the available evidence is currently insufficient to determine the role of this variant in disease. Therefore, it has been classified as a Variant of Uncertain Significance.

NM_020949.3(SLC7A14):c.1126C>T (p.His376Tyr)

Genes: SLC7A14 (solute carrier family 7 member 14; minus strand), SLC7A14-AS1 (SLC7A14 antisense RNA 1; plus strand). Cytogenetic location: 3q26.2.
Variant type: single nucleotide variant.
Coding change: c.1126C>T on transcript NM_020949.3 (MANE Select); coding-DNA position 1126, C replaced by T.
Protein change: p.His376Tyr; replaces histidine 376 with tyrosine.
Molecular consequence: missense variant.
Genome position (GRCh38, 1-based): chr3:170,481,156, G>A on the plus strand (C>T on the coding strand, the complement: SLC7A14 is on the minus strand). VCF-style: chr3-170481156-G-A. GRCh37 (hg19) VCF-style: chr3-170198945-G-A.
Other names: short protein forms H376Y.
Identifiers: ClinVar variation 1425892 (VCV001425892.6), dbSNP rs150440242, ClinGen allele CA87710664.